The following is an entry in ClinVar:

ClinVar aggregate classification (germline): Conflicting classifications of pathogenicity. Review status: criteria provided, conflicting classifications (1 of 4 stars). 5 submissions from 5 submitters: Uncertain significance (3); Likely benign (1). 1 of the submissions does not count toward it. Last evaluated 2026-01-13.

Conditions:
NOTCH2-related disorder. Also called: NOTCH2-related condition.
Hajdu-Cheney syndrome (HJCYS). Also called: Acroosteolysis dominant type; SERPENTINE FIBULA-POLYCYSTIC KIDNEY SYNDROME; ACROOSTEOLYSIS WITH OSTEOPOROSIS AND CHANGES IN SKULL AND MANDIBLE. Identifiers: Orphanet 955, MedGen C0917715, MONDO:0007057, OMIM 102500.
Inborn genetic diseases. Identifiers: MedGen C0950123, MeSH D030342.

Allele frequency attached by ClinVar (database versions not stated): gnomAD 0.00003 and 0.00009; TOPMed 0.00009; ExAC 0.00017; 1000 Genomes Project 30x 0.00047; 1000 Genomes Project 0.00060.
gnomAD v4.1: 125 of 1,596,700 alleles (0.0078%); highest among the groups gnomAD compares: East Asian, 0.12%; 2 homozygotes.

Submissions (5):

Labcorp Genetics (formerly Invitae), Labcorp
Classification: Uncertain significance for Hajdu-Cheney syndrome. Last evaluated: 2026-01-13. Review status: criteria provided, single submitter. Criteria: Invitae Variant Classification Sherloc (09022015). Collection method: clinical testing. Allele origin: germline.
Comment: This sequence change affects codon 1335 of the NOTCH2 mRNA. It is a 'silent' change, meaning that it does not change the encoded amino acid sequence of the NOTCH2 protein. This variant also falls at the last nucleotide of exon 24, which is part of the consensus splice site for this exon. This variant is present in population databases (rs118188023, gnomAD 0.04%), including at least one homozygous and/or hemizygous individual. This variant has not been reported in the literature in individuals affected with NOTCH2-related conditions. ClinVar contains an entry for this variant (Variation ID: 598511). Variants that disrupt the consensus splice site are a relatively common cause of aberrant splicing (PMID: 17576681, 9536098). Algorithms developed to predict the effect of sequence changes on RNA splicing suggest that this variant may disrupt the consensus splice site. In summary, the available evidence is currently insufficient to determine the role of this variant in disease. Therefore, it has been classified as a Variant of Uncertain Significance.

GeneDx
Classification: Likely benign. Last evaluated: 2024-02-12. Review status: criteria provided, single submitter. Criteria: GeneDx Variant Classification Process June 2021. Collection method: clinical testing. Allele origin: germline. Affected: yes.
Comment: See Variant Classification Assertion Criteria.

Ambry Genetics
Classification: Uncertain significance for Inborn genetic diseases. Last evaluated: 2024-01-23. Review status: criteria provided, single submitter. Criteria: Ambry Variant Classification Scheme 2023. Collection method: clinical testing. Allele origin: germline.
Comment: Occurs in the last base pair of the exon Based on insufficient or conflicting evidence, the clinical significance of this alteration remains unclear.

Eurofins Ntd Llc (ga)
Classification: Uncertain significance. Last evaluated: 2018-08-28. Review status: criteria provided, single submitter. Criteria: EGL ClinVar v180209 classification definitions. Collection method: clinical testing. Allele origin: germline. Observed: 1 variant allele, 1 heterozygote.

PreventionGenetics, part of Exact Sciences
Classification: Likely benign for NOTCH2-related condition. Last evaluated: 2020-10-09. Review status: no assertion criteria provided. Collection method: clinical testing. Allele origin: germline. Not counted in ClinVar's aggregate classification.
Comment: This variant is classified as likely benign based on ACMG/AMP sequence variant interpretation guidelines (Richards et al. 2015 PMID: 25741868, with internal and published modifications).

Literature cited by the submitters: PubMed 17576681 (cited by Labcorp Genetics (formerly Invitae), Labcorp); PubMed 9536098 (cited by Labcorp Genetics (formerly Invitae), Labcorp).

NM_024408.4(NOTCH2):c.4005G>A (p.Pro1335=)

Gene: NOTCH2 (notch receptor 2; minus strand). Cytogenetic location: 1p12.
Variant type: single nucleotide variant.
Coding change: c.4005G>A on transcript NM_024408.4 (MANE Select); coding-DNA position 4005, G replaced by A.
Protein change: p.Pro1335=; no amino-acid change (proline 1335 retained).
Molecular consequence: synonymous variant.
Genome position (GRCh38, 1-based): chr1:119,926,499, C>T on the plus strand (G>A on the coding strand, the complement: NOTCH2 is on the minus strand). VCF-style: chr1-119926499-C-T. GRCh37 (hg19) VCF-style: chr1-120469122-C-T.
Other names: c.4005G>A (NM_024408.3).
Identifiers: ClinVar variation 598511 (VCV000598511.15), dbSNP rs118188023, ClinGen allele CA1039931.